The following is an entry in ClinVar:

ClinVar aggregate classification (germline): Pathogenic. Review status: criteria provided, multiple submitters, no conflicts (2 of 4 stars). 3 submissions from 3 submitters: Pathogenic (3). Last evaluated 2023-06-03.

Conditions:
Mitochondrial DNA depletion syndrome 13. Also called: Mitochondrial DNA depletion syndrome 13 (encephalomyopathic type); FBXL4-Related Encephalomyopathic Mitochondrial DNA Depletion Syndrome. Identifiers: Orphanet 369897, MedGen C3809592, MONDO:0014198, OMIM 615471.

Submissions (3):

Labcorp Genetics (formerly Invitae), Labcorp
Classification: Pathogenic. Last evaluated: 2023-06-03. Review status: criteria provided, single submitter. Criteria: Invitae Variant Classification Sherloc (09022015). Collection method: clinical testing. Allele origin: germline.
Comment: This variant is not present in population databases (gnomAD no frequency). This sequence change creates a premature translational stop signal (p.Glu208Thrfs*5) in the FBXL4 gene. It is expected to result in an absent or disrupted protein product. Loss-of-function variants in FBXL4 are known to be pathogenic (PMID: 23993193, 23993194, 25868664). This premature translational stop signal has been observed in individual(s) with clinical features of FBXL4-related conditions (PMID: 28940506, 32445240). ClinVar contains an entry for this variant (Variation ID: 280414). Algorithms developed to predict the effect of sequence changes on RNA splicing suggest that this variant may disrupt the consensus splice site. For these reasons, this variant has been classified as Pathogenic.

GeneDx
Classification: Pathogenic. Last evaluated: 2018-12-07. Review status: criteria provided, single submitter. Criteria: GeneDx Variant Classification (06012015). Collection method: clinical testing. Allele origin: germline. Affected: yes.
Comment: The c.618_621dupACTG pathogenic variant in the FBXL4 gene has not been reported previously as a pathogenic variant nor as a benign variant, to our knowledge. The c.618_621dupACTG variant causes a frameshift starting with codon Glutamic acid 208, changes this amino acid to a Threonine residue, and creates a premature Stop codon at position 5 of the new reading frame, denoted p.Glu208ThrfsX5. This variant is predicted to cause loss of normal protein function either through protein truncation or nonsense-mediated mRNA decay. The c.618_621dupACTG variant was not observed in approximately 6,500 individuals of European and African American ancestry in the NHLBI Exome Sequencing Project, indicating it is not a common benign variant in these populations. We interpret c.618_621dupACTG as a pathogenic variant.

Wong Mito Lab, Molecular and Human Genetics, Baylor College of Medicine
Classification: Pathogenic for Mitochondrial DNA depletion syndrome 13. Last evaluated: 2017-08-10. Review status: criteria provided, single submitter. Criteria: ACMG Guidelines, 2015. Collection method: clinical testing. Allele origin: germline. Affected: yes.
Comment: The NM_012160.4:c.618_621dup (NP_036292.2:p.Glu208ThrfsTer5) [GRCH38: NC_000006.12:g.98917612_98917615dup] variant in FBXL4 gene is interpretated to be a Pathogenic based on ACMG guidelines (PMID: 25741868). This variant meets one or more of the following evidence codes reported in the ACMG-guideline. PVS1:This variant is a predcted null variant in FBXL4 where loss of function is a known mechanism of disease. PM2:This variant is absent in key population databases. PP4:Patientâ€™s phenotype or family history is highly specific for FBXL4. PP5:Reputable source(s) suggest that the variant is pathogenic. Based on this evidence code ClinGen Pathogenicity Calculator (PMID:28081714) suggested that the variant is Pathogenic.

Literature cited by the submitters: PubMed 23993193 (cited by Labcorp Genetics (formerly Invitae), Labcorp); PubMed 23993194 (cited by Labcorp Genetics (formerly Invitae), Labcorp); PubMed 25868664 (cited by Labcorp Genetics (formerly Invitae), Labcorp); PubMed 28940506 (cited by Labcorp Genetics (formerly Invitae), Labcorp); PubMed 32445240 (cited by Labcorp Genetics (formerly Invitae), Labcorp).

NM_001278716.2(FBXL4):c.618_621dup (p.Glu208fs)

Gene: FBXL4 (F-box and leucine rich repeat protein 4; minus strand). Cytogenetic location: 6q16.2.
Variant type: Duplication.
Coding change: c.618_621dup on transcript NM_001278716.2 (MANE Select); coding-DNA positions 618 to 621, 4 bases duplicated (ACTG; older notation c.618_621dupACTG).
Protein change: p.Glu208fs; shifts the reading frame from glutamic acid 208.
Molecular consequence: frameshift variant.
Genome position (GRCh38, 1-based): chr6:98,917,611-98,917,614, CAGT duplicated on the plus strand (ACTG on the coding strand, the reverse complement: FBXL4 is on the minus strand); duplicating any 4 consecutive bases within chr6:98,917,611-98,917,615 gives the same sequence; the c. name uses the placement nearest the transcript's 3' end. VCF-style (leftmost placement, unchanged base first): chr6-98917610-C-CCAGT. GRCh37 (hg19) VCF-style: chr6-99365486-C-CCAGT.
Other names: c.618_621dup, p.Glu208fs (NM_012160.5); short protein forms E208fs.
Identifiers: ClinVar variation 280414 (VCV000280414.5), dbSNP rs886041625, ClinGen allele CA10602946.